The following is an entry in ClinVar:

ClinVar aggregate classification (germline): Conflicting classifications of pathogenicity. Review status: criteria provided, conflicting classifications (1 of 4 stars). 4 submissions from 3 submitters: Likely pathogenic (1); Uncertain significance (2). 1 of the submissions does not count toward it. Last evaluated 2023-03-07.

Conditions:
Transitory neonatal diabetes mellitus. Also called: Transient neonatal diabetes mellitus. Identifiers: MedGen C0342273, MONDO:0020525, HP:0008255.
Maturity-onset diabetes of the young (MODY). Also called: Maturity onset diabetes mellitus in young. Identifiers: Orphanet 552, MedGen C0342276, MONDO:0018911, HP:0004904.
Hyperinsulinemic hypoglycemia, familial, 1 (HHF1). Also called: Persistent hyperinsulinemic hypoglycemia of infancy; HYPERINSULINISM, FAMILIAL, WITH PANCREATIC NESIDIOBLASTOSIS; HYPOGLYCEMIA, HYPERINSULINEMIC, OF INFANCY; NESIDIOBLASTOSIS OF PANCREAS; Persistent Hyperinsulinemia Hypoglycemia of Infancy. Identifiers: Orphanet 276575, Orphanet 276598, MedGen C2931832, MONDO:0009734, OMIM 256450.

Allele frequency attached by ClinVar (database versions not stated): gnomAD exomes below 0.00001.
gnomAD v4.1: 1 of 1,613,956 alleles (0.000062%); highest among the groups gnomAD compares: Non-Finnish European, 0.000085%; no homozygotes.

Submissions (4):

Labcorp Genetics (formerly Invitae), Labcorp
Classification: Likely pathogenic. Last evaluated: 2023-03-07. Review status: criteria provided, single submitter. Criteria: Invitae Variant Classification Sherloc (09022015). Collection method: clinical testing. Allele origin: germline.
Comment: In summary, the currently available evidence indicates that the variant is pathogenic, but additional data are needed to prove that conclusively. Therefore, this variant has been classified as Likely Pathogenic. Advanced modeling of protein sequence and biophysical properties (such as structural, functional, and spatial information, amino acid conservation, physicochemical variation, residue mobility, and thermodynamic stability) performed at Invitae indicates that this missense variant is expected to disrupt ABCC8 protein function. ClinVar contains an entry for this variant (Variation ID: 553845). This missense change has been observed in individual(s) with autosomal recessive diffuse hyperinsulinism (PMID: 24401662). In at least one individual the data is consistent with being in trans (on the opposite chromosome) from a pathogenic variant. This variant is not present in population databases (gnomAD no frequency). This sequence change replaces leucine, which is neutral and non-polar, with arginine, which is basic and polar, at codon 727 of the ABCC8 protein (p.Leu727Arg).

Clinical Genomics, Uppaluri K&H Personalized Medicine Clinic
Classification: Uncertain significance for Maturity-onset diabetes of the young. Review status: criteria provided, single submitter. Criteria: K & H Uppaluri Personalized Medicine Clinic Variant Classification & Assertion Criteria_Updated V.1. Collection method: research. Allele origin: unknown. Inheritance: Somatic mutation.
Comment: Mutations in ABCC8 gene are associated with both neonatal diabetes mellitus as well as MODY. Patients with this mutation may have a better response to sulfonylureas. However, no sufficient evidence is found to ascertain the role of this particular variant (rs1554924079) in MODY yet.

Clinical Genomics, Uppaluri K&H Personalized Medicine Clinic
Classification: Uncertain significance for Transitory neonatal diabetes mellitus. Review status: criteria provided, single submitter. Criteria: K & H Uppaluri Personalized Medicine Clinic Variant Classification & Assertion Criteria_Updated V.1. Collection method: research. Allele origin: unknown. Inheritance: Somatic mutation.
Comment: Mutations in ABCC8 gene are associated with both neonatal diabetes mellitus as well as MODY. Patients with this mutation may have a better response to sulfonylureas. However, no sufficient evidence is found to ascertain the role of this particular variant (rs1554924079) in neonatal diabetes yet.

Counsyl
Classification: Uncertain significance for Hyperinsulinemic hypoglycemia, familial, 1. Last evaluated: 2017-09-12. Review status: no assertion criteria provided. Collection method: clinical testing. Allele origin: unknown. Not counted in ClinVar's aggregate classification.

Literature cited by the submitters: PubMed 24401662 (cited by Labcorp Genetics (formerly Invitae), Labcorp and Counsyl); PubMed 16885549 (cited by Clinical Genomics, Uppaluri K&H Personalized Medicine Clinic); PubMed 21989597 (cited by Clinical Genomics, Uppaluri K&H Personalized Medicine Clinic); PubMed 27538677 (cited by Clinical Genomics, Uppaluri K&H Personalized Medicine Clinic); PubMed 18981553 (cited by Clinical Genomics, Uppaluri K&H Personalized Medicine Clinic); PubMed 32027066 (cited by Clinical Genomics, Uppaluri K&H Personalized Medicine Clinic); PubMed 16613899 (cited by Clinical Genomics, Uppaluri K&H Personalized Medicine Clinic); PubMed 18025408 (cited by Clinical Genomics, Uppaluri K&H Personalized Medicine Clinic); PubMed 32792356 (cited by Clinical Genomics, Uppaluri K&H Personalized Medicine Clinic).

NM_000352.6(ABCC8):c.2180T>G (p.Leu727Arg)

Gene: ABCC8 (ATP binding cassette subfamily C member 8; minus strand). Cytogenetic location: 11p15.1.
Variant type: single nucleotide variant.
Coding change: c.2180T>G on transcript NM_000352.6 (MANE Select); coding-DNA position 2180, T replaced by G.
Protein change: p.Leu727Arg; replaces leucine 727 with arginine.
Molecular consequence: missense variant. On other transcripts: non-coding transcript variant (1).
Genome position (GRCh38, 1-based): chr11:17,427,091, A>C on the plus strand (T>G on the coding strand, the complement: ABCC8 is on the minus strand). VCF-style: chr11-17427091-A-C. GRCh37 (hg19) VCF-style: chr11-17448638-A-C.
Other names: c.2180T>G, p.Leu727Arg (NM_001287174.3); c.2246T>G, p.Leu749Arg (NM_001351295.2); c.2177T>G, p.Leu726Arg (NM_001351296.2, NM_001351297.2); short protein forms L727R, L726R, L749R.
Identifiers: ClinVar variation 553845 (VCV000553845.7), dbSNP rs1554924079, ClinGen allele CA379813577.
Genomic context (GRCh38, chr11:17,427,091, plus strand): 5'-TGAGGATACATGTATTACCTGCTCCAGAAGACAGCCCCTGAGACCTTCTGCATCTCCCCC[A>C]GTGCGGCTAGAAGGAGCGAGGACTTGCCGCAGCCCACCTGCCCCACGATCATAGTCAGCT-3'
Protein context (NP_000343.2, residues 717-737): CGKSSLLLAA[Leu727Arg]GEMQKVSGAV